The following is an entry in ClinVar:

ClinVar aggregate classification (germline): Uncertain significance (1 of 4 stars; one submission).

Submission:

Labcorp Genetics (formerly Invitae), Labcorp
Classification: Uncertain significance. Last evaluated: 2022-11-28. Review status: criteria provided, single submitter. Criteria: Invitae Variant Classification Sherloc (09022015). Collection method: clinical testing. Allele origin: germline.
Comment: In summary, the available evidence is currently insufficient to determine the role of this variant in disease. Therefore, it has been classified as a Variant of Uncertain Significance. This variant has not been reported in the literature in individuals affected with SCP2-related conditions. This variant results in a copy number gain of the genomic region encompassing exon(s) 1-5 of the SCP2 gene. This region includes the initiator codon of the gene. This copy number gain extends beyond the assayed region for this gene and therefore may encompass additional genes. As the precise location of this event is unknown, it may be in tandem or it may be located elsewhere in the genome.

NC_000001.10:g.(?_53393069)_(53420496_?)dup

Gene: SCP2 (sterol carrier protein 2; plus strand). Cytogenetic location: 1p32.3.
Variant type: Duplication.
Identifiers: ClinVar variation 2424592 (VCV002424592.4).